The following is an entry in ClinVar:

NM_001135022.2(ELMOD3):c.1029C>A (p.Ala343=)

Gene: ELMOD3 (ELMO domain containing 3; plus strand). Cytogenetic location: 2p11.2.
Variant type: single nucleotide variant.
Coding change: c.1029C>A on transcript NM_001135022.2 (MANE Select); coding-DNA position 1029, C replaced by A.
Protein change: p.Ala343=; no amino-acid change (alanine 343 retained).
Molecular consequence: synonymous variant. On other transcripts: non-coding transcript variant (3).
Genome position (GRCh38, 1-based): chr2:85,390,845, C>A. VCF-style: chr2-85390845-C-A. GRCh37 (hg19) VCF-style: chr2-85617968-C-A.
Other names: p.Ala343=; c.1029C>A, p.Ala343= (NM_001135021.2, NM_001135023.2, NM_001329791.2 and 2 more transcripts).
Identifiers: ClinVar variation 787770 (VCV000787770.13), dbSNP rs116056110, ClinGen allele CA1740604.

ClinVar aggregate classification (germline): Benign. Review status: criteria provided, multiple submitters, no conflicts (2 of 4 stars). 4 submissions from 4 submitters: Benign (4). Last evaluated 2026-01-27.

Allele frequency attached by ClinVar (database versions not stated): gnomAD exomes 0.00094 and 0.00219; ExAC 0.00379; gnomAD 0.00926 and 0.01003; TOPMed 0.01045; 1000 Genomes Project 30x 0.01156; 1000 Genomes Project 0.01198.
gnomAD v4.1: 2,764 of 1,551,676 alleles (0.18%); highest among the groups gnomAD compares: African/African-American, 3.4%; 56 homozygotes.

Submissions (4):

Labcorp Genetics (formerly Invitae), Labcorp
Classification: Benign. Last evaluated: 2026-01-27. Review status: criteria provided, single submitter. Criteria: Invitae Variant Classification Sherloc (09022015). Collection method: clinical testing. Allele origin: germline.

Mayo Clinic Laboratories, Mayo Clinic
Classification: Benign. Last evaluated: 2025-03-20. Review status: criteria provided, single submitter. Criteria: ACMG Guidelines, 2015. Collection method: clinical testing. Allele origin: germline. Observed: 2 variant alleles.
Comment: BA1, BS2, BP4, BP7

GeneDx
Classification: Benign. Last evaluated: 2019-11-07. Review status: criteria provided, single submitter. Criteria: GeneDx Variant Classification Process June 2021. Collection method: clinical testing. Allele origin: germline. Affected: yes.

Breakthrough Genomics
Classification: Benign. Review status: criteria provided, single submitter. Criteria: ACMG Guidelines, 2015. Collection method: not provided. Allele origin: germline. Inheritance: Autosomal recessive inheritance. Affected: yes.